The following is an entry in ClinVar:

ClinVar aggregate classification (germline): Uncertain significance (1 of 4 stars; one submission).

Conditions:
Charcot-Marie-Tooth disease type 2R. Also called: CHARCOT-MARIE-TOOTH DISEASE, AXONAL, AUTOSOMAL RECESSIVE, TYPE 2R; Charcot-Marie-Tooth disease, axonal, type 2R; CHARCOT-MARIE-TOOTH NEUROPATHY, TYPE 2R. Identifiers: Orphanet 397968, MedGen C3809655, MONDO:0014208, OMIM 615490.

Submission:

Labcorp Genetics (formerly Invitae), Labcorp
Classification: Uncertain significance for Charcot-Marie-Tooth disease type 2R. Last evaluated: 2023-10-05. Review status: criteria provided, single submitter. Criteria: Invitae Variant Classification Sherloc (09022015). Collection method: clinical testing. Allele origin: germline.
Comment: This sequence change falls in intron 9 of the TRIM2 gene. It does not directly change the encoded amino acid sequence of the TRIM2 protein. It affects a nucleotide within the consensus splice site. This variant is not present in population databases (gnomAD no frequency). This variant has not been reported in the literature in individuals affected with TRIM2-related conditions. Variants that disrupt the consensus splice site are a relatively common cause of aberrant splicing (PMID: 17576681, 9536098). Algorithms developed to predict the effect of sequence changes on RNA splicing suggest that this variant may disrupt the consensus splice site. In summary, the available evidence is currently insufficient to determine the role of this variant in disease. Therefore, it has been classified as a Variant of Uncertain Significance.

Literature cited by the submitters: PubMed 17576681; PubMed 9536098.

NM_015271.5(TRIM2):c.1952-3C>T

Gene: TRIM2 (tripartite motif containing 2; plus strand). Cytogenetic location: 4q31.3.
Variant type: single nucleotide variant.
Coding change: c.1952-3C>T on transcript NM_015271.5 (MANE Select); 3 bases into the intron before coding-DNA position 1952, C replaced by T.
Molecular consequence: intron variant.
Genome position (GRCh38, 1-based): chr4:153,324,075, C>T. VCF-style: chr4-153324075-C-T. GRCh37 (hg19) VCF-style: chr4-154245227-C-T.
Other names: c.1496-3C>T (NM_001351057.2); c.2045-3C>T (NM_001375488.1); c.1895-3C>T (NM_001375490.1); c.1619-3C>T (NM_001375519.1); c.1613-3C>T (NM_001375523.1, NM_001375522.1, NM_001375525.1); c.2042-3C>T (NM_001375489.1); c.1892-3C>T (NM_001375491.1); c.1616-3C>T (NM_001375520.1); and 4 more.
Identifiers: ClinVar variation 2807556 (VCV002807556.3), dbSNP rs2546669376, ClinGen allele CA2578214534.